The following is an entry in ClinVar:

NM_001267550.2(TTN):c.57334del (p.Ile19112fs)

Genes: TTN (titin; minus strand), TTN-AS1 (TTN antisense RNA 1; plus strand). Cytogenetic location: 2q31.2.
Variant type: Deletion.
Coding change: c.57334del on transcript NM_001267550.2 (MANE Select); coding-DNA position 57334, one base deleted (A; older notation c.57334delA).
Protein change: p.Ile19112fs; shifts the reading frame from isoleucine 19112.
Molecular consequence: frameshift variant.
Genome position (GRCh38, 1-based): chr2:178,597,748, T deleted on the plus strand (A on the coding strand, the reverse complement: TTN is on the minus strand); the first of 2 consecutive T bases (chr2:178,597,748-178,597,749); deleting either gives the same sequence. VCF-style (leftmost placement, unchanged base first): chr2-178597747-AT-A. GRCh37 (hg19) VCF-style: chr2-179462474-AT-A.
Other names: c.52411del, p.Ile17471fs (NM_001256850.1); c.30139del, p.Ile10047fs (NM_003319.4); c.49630del, p.Ile16544fs (NM_133378.4); c.30514del, p.Ile10172fs (NM_133432.3); c.30715del, p.Ile10239fs (NM_133437.4); c.30139delA (NM_003319.4); short protein forms I10239fs, I16544fs, I10172fs, I19112fs, I10047fs, I17471fs.
Identifiers: ClinVar variation 1798824 (VCV001798824.4), dbSNP rs2469802743, ClinGen allele CA2580064810.

ClinVar aggregate classification (germline): Likely pathogenic. Review status: criteria provided, multiple submitters, no conflicts (2 of 4 stars). 2 submissions from 2 submitters: Likely pathogenic (2). Last evaluated 2024-06-11.

Conditions:
Cardiovascular phenotype. Identifiers: MedGen CN230736.
Dilated cardiomyopathy 1G (CMD1G). Identifiers: Orphanet 154, MedGen C1858763, MONDO:0011400, OMIM 604145.
Autosomal recessive limb-girdle muscular dystrophy type 2J (LGMDR10). Also called: MUSCULAR DYSTROPHY, LIMB-GIRDLE, AUTOSOMAL RECESSIVE 10; Limb-girdle muscular dystrophy, type 2J. Identifiers: Orphanet 140922, MedGen C1837342, MONDO:0012127, OMIM 608807.

Submissions (2):

Labcorp Genetics (formerly Invitae), Labcorp
Classification: Likely pathogenic for Dilated cardiomyopathy 1G; Autosomal recessive limb-girdle muscular dystrophy type 2J. Last evaluated: 2024-06-11. Review status: criteria provided, single submitter. Criteria: Invitae Variant Classification Sherloc (09022015). Collection method: clinical testing. Allele origin: germline.
Comment: This sequence change creates a premature translational stop signal (p.Ile19112Serfs*17) in the TTN gene. While this is not anticipated to result in nonsense mediated decay, it is expected to create a truncated TTN protein. This variant is not present in population databases (gnomAD no frequency). This variant has not been reported in the literature in individuals affected with TTN-related conditions. ClinVar contains an entry for this variant (Variation ID: 1798824). This variant is located in the A band of TTN (PMID: 25589632). Truncating variants in this region are significantly overrepresented in patients affected with dilated cardiomyopathy (PMID: 25589632). Truncating variants in this region have also been reported in individuals affected with autosomal recessive centronuclear myopathy (PMID: 23975875). In summary, the currently available evidence indicates that the variant is pathogenic, but additional data are needed to prove that conclusively. Therefore, this variant has been classified as Likely Pathogenic.

Ambry Genetics
Classification: Likely pathogenic for Cardiovascular phenotype. Last evaluated: 2022-05-05. Review status: criteria provided, single submitter. Criteria: Ambry Variant Classification Scheme 2023. Collection method: clinical testing. Allele origin: germline.
Comment: The c.30139delA variant, located in coding exon 121 of the TTN gene, results from a deletion of one nucleotide at nucleotide position 30139, causing a translational frameshift with a predicted alternate stop codon (p.I10047Sfs*17). This exon is located in the A-band region of the N2-B isoform of the titin protein and is constitutively expressed in TTN transcripts (percent spliced in or PSI 100%). This variant is considered to be rare based on population cohorts in the Genome Aggregation Database (gnomAD). This alteration is expected to result in loss of function by premature protein truncation or nonsense-mediated mRNA decay. While truncating variants in TTN are present in 1-3% of the general population, truncating variants in the A-band are the most common cause of dilated cardiomyopathy (DCM) (Herman DS et al. N. Engl. J. Med., 2012 Feb;366:619-28; Roberts AM et al. Sci Transl Med, 2015 Jan;7:270ra6). TTN truncating variants encoded in constitutive exons (PSI >90%) have been found to be significantly associated with DCM regardless of their position in titin (Schafer S et al. Nat. Genet., 2017 01;49:46-53). As such, this alteration is classified as likely pathogenic.

Literature cited by the submitters: PubMed 25589632 (cited by Labcorp Genetics (formerly Invitae), Labcorp); PubMed 23975875 (cited by Labcorp Genetics (formerly Invitae), Labcorp).